The following is an entry in ClinVar:

NM_004104.5(FASN):c.116G>A (p.Arg39His)

Gene: FASN (fatty acid synthase; minus strand). Cytogenetic location: 17q25.3.
Variant type: single nucleotide variant.
Coding change: c.116G>A on transcript NM_004104.5 (MANE Select); coding-DNA position 116, G replaced by A.
Protein change: p.Arg39His; replaces arginine 39 with histidine.
Molecular consequence: missense variant.
Genome position (GRCh38, 1-based): chr17:82,096,330, C>T on the plus strand (G>A on the coding strand, the complement: FASN is on the minus strand). VCF-style: chr17-82096330-C-T. GRCh37 (hg19) VCF-style: chr17-80054206-C-T.
Other names: short protein forms R39H.
Identifiers: ClinVar variation 854271 (VCV000854271.9), dbSNP rs766137207, ClinGen allele CA8853673.

ClinVar aggregate classification (germline): Uncertain significance (1 of 4 stars; one submission).

Conditions:
Epileptic encephalopathy. Identifiers: MedGen C0543888, HP:0200134.

Allele frequency attached by ClinVar (database versions not stated): gnomAD exomes below 0.00001 and 0.00001; ExAC 0.00001; gnomAD 0.00001; TOPMed 0.00001.
gnomAD v4.1: 4 of 1,612,518 alleles (0.00025%); highest among the groups gnomAD compares: Admixed American, 0.0033%; no homozygotes.

Submission:

Labcorp Genetics (formerly Invitae), Labcorp
Classification: Uncertain significance for Epileptic encephalopathy. Last evaluated: 2023-12-13. Review status: criteria provided, single submitter. Criteria: Invitae Variant Classification Sherloc (09022015). Collection method: clinical testing. Allele origin: germline.
Comment: This sequence change replaces arginine, which is basic and polar, with histidine, which is basic and polar, at codon 39 of the FASN protein (p.Arg39His). This variant is present in population databases (rs766137207, gnomAD 0.006%). This variant has not been reported in the literature in individuals affected with FASN-related conditions. ClinVar contains an entry for this variant (Variation ID: 854271). An algorithm developed to predict the effect of missense changes on protein structure and function (PolyPhen-2) suggests that this variant is likely to be disruptive. In summary, the available evidence is currently insufficient to determine the role of this variant in disease. Therefore, it has been classified as a Variant of Uncertain Significance.